The following is an entry in ClinVar:

ClinVar aggregate classification (germline): Uncertain significance (1 of 4 stars; one submission).

Conditions:
Tay-Sachs disease (TSD). Also called: Hexosaminidase A Deficiency; HEXA DEFICIENCY; HEXA Disorders; GM2 gangliosidosis, type 1; Hexosaminidase alpha-subunit deficiency (variant B); Sphingolipidosis, Tay-Sachs. Identifiers: Orphanet 845, MedGen C0039373, MONDO:0010100, OMIM 272800.

Allele frequency attached by ClinVar (database versions not stated): gnomAD exomes below 0.00001.
gnomAD v4.1: 2 of 1,614,068 alleles (0.00012%); highest among the groups gnomAD compares: East Asian, 0.0022%; no homozygotes.

Submission:

Labcorp Genetics (formerly Invitae), Labcorp
Classification: Uncertain significance for Tay-Sachs disease. Last evaluated: 2018-04-12. Review status: criteria provided, single submitter. Criteria: Invitae Variant Classification Sherloc (09022015). Collection method: clinical testing. Allele origin: germline.
Comment: This sequence change replaces glycine with glutamic acid at codon 85 of the HEXA protein (p.Gly85Glu). The glycine residue is weakly conserved and there is a moderate physicochemical difference between glycine and glutamic acid. This variant is not present in population databases (ExAC no frequency). This variant has not been reported in the literature in individuals with HEXA-related disease. Algorithms developed to predict the effect of missense changes on protein structure and function output the following: SIFT: "Tolerated"; PolyPhen-2: "Benign"; Align-GVGD: "Class C0". The glutamic acid amino acid residue is found in multiple mammalian species, suggesting that this missense change does not adversely affect protein function. These predictions have not been confirmed by published functional studies and their clinical significance is uncertain. Algorithms developed to predict the effect of sequence changes on RNA splicing suggest that this variant may disrupt the consensus splice site, but this prediction has not been confirmed by published transcriptional studies. In summary, the available evidence is currently insufficient to determine the role of this variant in disease. Therefore, it has been classified as a Variant of Uncertain Significance.

NM_000520.6(HEXA):c.254G>A (p.Gly85Glu)

Gene: HEXA (hexosaminidase subunit alpha; minus strand). Cytogenetic location: 15q23.
Variant type: single nucleotide variant.
Coding change: c.254G>A on transcript NM_000520.6 (MANE Select); coding-DNA position 254, G replaced by A.
Protein change: p.Gly85Glu; replaces glycine 85 with glutamic acid.
Molecular consequence: missense variant. On other transcripts: non-coding transcript variant (1).
Genome position (GRCh38, 1-based): chr15:72,356,617, C>T on the plus strand (G>A on the coding strand, the complement: HEXA is on the minus strand). VCF-style: chr15-72356617-C-T. GRCh37 (hg19) VCF-style: chr15-72648958-C-T.
Other names: c.287G>A, p.Gly96Glu (NM_001318825.2); short protein forms G96E, G85E.
Identifiers: ClinVar variation 1903738 (VCV001903738.2), dbSNP rs2542540266, ClinGen allele CA393067687.